The following is an entry in ClinVar:

NM_024753.5(TTC21B):c.1677G>C (p.Val559=)

Gene: TTC21B (tetratricopeptide repeat domain 21B; minus strand). Cytogenetic location: 2q24.3.
Variant type: single nucleotide variant.
Coding change: c.1677G>C on transcript NM_024753.5 (MANE Select); coding-DNA position 1677, G replaced by C.
Protein change: p.Val559=; no amino-acid change (valine 559 retained).
Molecular consequence: synonymous variant.
Genome position (GRCh38, 1-based): chr2:165,917,479, C>G on the plus strand (G>C on the coding strand, the complement: TTC21B is on the minus strand). VCF-style: chr2-165917479-C-G. GRCh37 (hg19) VCF-style: chr2-166773989-C-G.
Identifiers: ClinVar variation 700527 (VCV000700527.14), dbSNP rs149842503, ClinGen allele CA1942040.

ClinVar aggregate classification (germline): Conflicting classifications of pathogenicity. Review status: criteria provided, conflicting classifications (1 of 4 stars). 5 submissions from 4 submitters: Uncertain significance (2); Likely benign (2). 1 of the submissions does not count toward it. Last evaluated 2025-11-10.

Conditions:
TTC21B-related disorder. Also called: TTC21B-related condition; TTC21B-related disorders.
Asphyxiating thoracic dystrophy 4 (SRTD4). Also called: SHORT-RIB THORACIC DYSPLASIA 4; SHORT-RIB THORACIC DYSPLASIA 4 WITH OR WITHOUT POLYDACTYLY. Identifiers: Orphanet 474, MedGen C3151185, MONDO:0013441, OMIM 613819.
Nephronophthisis 12 (NPHP12). Identifiers: Orphanet 655, MedGen C3151186, MONDO:0013442, OMIM 613820.
Jeune thoracic dystrophy. Also called: Short-rib thoracic dysplasia; Jeune syndrome; Infantile thoracic dystrophy; Thoracic pelvic phalangeal dystrophy; Jeune's syndrome; Chondroectodermal dysplasia-like syndrome. Identifiers: Orphanet 474, MedGen C0265275, MONDO:0018770.
Nephronophthisis. Also called: Juvenile Nephronophthisis. Identifiers: Orphanet 655, MedGen C0687120, MONDO:0019005, HP:0000090.

Allele frequency attached by ClinVar (database versions not stated): ExAC 0.00004; gnomAD 0.00005; TOPMed 0.00005; ESP Exome Variant Server 0.00023.
gnomAD v4.1: 19 of 1,603,148 alleles (0.0012%); highest among the groups gnomAD compares: African/African-American, 0.0054%; no homozygotes.

Submissions (6):

Labcorp Genetics (formerly Invitae), Labcorp
Classification: Likely benign for Jeune thoracic dystrophy; Nephronophthisis. Last evaluated: 2025-11-10. Review status: criteria provided, single submitter. Criteria: Invitae Variant Classification Sherloc (09022015). Collection method: clinical testing. Allele origin: germline.

Blueprint Genetics
Classification: Likely benign. Last evaluated: 2021-12-17. Review status: criteria provided, single submitter. Criteria: ACMG Guidelines, 2015. Collection method: clinical testing. Allele origin: germline.

Illumina Laboratory Services, Illumina
Classification: Uncertain significance for Asphyxiating thoracic dystrophy 4. Last evaluated: 2018-01-13. Review status: criteria provided, single submitter. Criteria: ICSL Variant Classification Criteria 13 December 2019. Collection method: clinical testing. Allele origin: germline.

Illumina Laboratory Services, Illumina
Classification: Uncertain significance for Nephronophthisis 12. Last evaluated: 2018-01-13. Review status: criteria provided, single submitter. Criteria: ICSL Variant Classification Criteria 13 December 2019. Collection method: clinical testing. Allele origin: germline.

PreventionGenetics, part of Exact Sciences
Classification: Likely benign for TTC21B-related condition. Last evaluated: 2024-07-17. Review status: no assertion criteria provided. Collection method: clinical testing. Allele origin: germline. Not counted in ClinVar's aggregate classification.
Comment: This variant is classified as likely benign based on ACMG/AMP sequence variant interpretation guidelines (Richards et al. 2015 PMID: 25741868, with internal and published modifications).

Dr. Peter K. Rogan Lab, Western University
No classification provided (evidence only). Condition: Malignant tumor of esophagus. Review status: no classification provided. Collection method: in vitro. Allele origin: not applicable. Functional consequence: retained intron. Not counted in ClinVar's aggregate classification.